The following is an entry in ClinVar:

ClinVar aggregate classification (germline): Benign (1 of 4 stars; one submission).

Conditions:
Premature ovarian failure 5 (POF5). Identifiers: MedGen C1969060, MONDO:0012689, OMIM 611548.

Allele frequency attached by ClinVar (database versions not stated): ExAC 0.00005; gnomAD exomes 0.00015 and 0.00018; gnomAD 0.00025 and 0.00026; TOPMed 0.00029; 1000 Genomes Project 0.00040; ESP Exome Variant Server 0.00044; 1000 Genomes Project 30x 0.00047.
gnomAD v4.1: 293 of 1,537,150 alleles (0.019%); highest among the groups gnomAD compares: Middle Eastern, 0.033%; no homozygotes.

Submission:

Illumina Laboratory Services, Illumina
Classification: Benign for Premature ovarian failure 5. Last evaluated: 2018-01-13. Review status: criteria provided, single submitter. Criteria: ICSL Variant Classification Criteria 13 December 2019. Collection method: clinical testing. Allele origin: germline.
Comment: This variant was observed in the ICSL laboratory as part of a predisposition screen in an ostensibly healthy population. It had not been previously curated by ICSL or reported in the Human Gene Mutation Database (HGMD: prior to June 1st, 2018), and was therefore a candidate for classification through an automated scoring system. Utilizing variant allele frequency, disease prevalence and penetrance estimates, and inheritance mode, an automated score was calculated to assess if this variant is too frequent to cause the disease. Based on the score and internal cut-off values, a variant classified as benign is not then subjected to further curation. The score for this variant resulted in a classification of benign for this disease.

NM_001436401.1(NOBOX):c.1358C>T (p.Ser453Leu)

Gene: NOBOX (NOBOX oogenesis homeobox; minus strand). Cytogenetic location: 7q35.
Variant type: single nucleotide variant.
Coding change: c.1358C>T on transcript NM_001436401.1 (MANE Select); coding-DNA position 1358, C replaced by T.
Protein change: p.Ser453Leu; replaces serine 453 with leucine.
Molecular consequence: missense variant.
Genome position (GRCh38, 1-based): chr7:144,398,347, G>A on the plus strand (C>T on the coding strand, the complement: NOBOX is on the minus strand). VCF-style: chr7-144398347-G-A. GRCh37 (hg19) VCF-style: chr7-144095440-G-A.
Other names: NM_001080413.3:c.1709C>T; c.806C>T, p.Ser269Leu (NM_001436402.1); short protein forms S269L, S453L.
Identifiers: ClinVar variation 359138 (VCV000359138.5), dbSNP rs371874278, ClinGen allele CA4544512.
Genomic context (GRCh38, chr7:144,398,347, plus strand): 5'-TTCCCAGCAGGTGGTTGCATCAGGATCTGTCCTGAGGAGGCACCTGGGCAATAGCCCTGC[G>A]ATGTGCCCCCGCTGGGGCCACAGGGAAACATAAAGAGAGAGTCTTCGGGCGGTGGAAGCG-3'
Protein context (NP_001423330.1, residues 443-463): MFPCGPSGGT[Ser453Leu]QGYCPGASSG